The following is an entry in ClinVar:

NM_133459.4(CCBE1):c.*4398C>A

Gene: CCBE1 (collagen and calcium binding EGF domains 1; minus strand). Cytogenetic location: 18q21.32.
Variant type: single nucleotide variant.
Coding change: c.*4398C>A on transcript NM_133459.4 (MANE Select); 4398 bases downstream of the stop codon, C replaced by A.
Molecular consequence: 3 prime UTR variant.
Genome position (GRCh38, 1-based): chr18:59,431,510, G>T on the plus strand (C>A on the coding strand, the complement: CCBE1 is on the minus strand). VCF-style: chr18-59431510-G-T. GRCh37 (hg19) VCF-style: chr18-57098742-G-T.
Other names: c.*4398C>A (LRG_1209t1).
Identifiers: ClinVar variation 327597 (VCV000327597.6), dbSNP rs6567083, ClinGen allele CA10647993.

ClinVar aggregate classification (germline): Benign. Review status: criteria provided, multiple submitters, no conflicts (2 of 4 stars). 2 submissions from 2 submitters: Benign (2). Last evaluated 2018-01-12.

Conditions:
Hennekam lymphangiectasia-lymphedema syndrome 1 (HKLLS1). Also called: LYMPHATIC DYSPLASIA, GENERALIZED. Identifiers: Orphanet 2136, MedGen C4012050, MONDO:0009337, OMIM 235510.

Allele frequency attached by ClinVar (database versions not stated): gnomAD 0.82900 and 0.83125; TOPMed 0.83274; 1000 Genomes Project 30x 0.85775; 1000 Genomes Project 0.85962; gnomAD exomes 0.95833.
gnomAD v4.1: 126,375 of 152,098 alleles (83%); highest among the groups gnomAD compares: South Asian, 91%; 52,636 homozygotes.

Submissions (2):

Illumina Laboratory Services, Illumina
Classification: Benign for Hennekam lymphangiectasia-lymphedema syndrome 1. Last evaluated: 2018-01-12. Review status: criteria provided, single submitter. Criteria: ICSL Variant Classification Criteria 13 December 2019. Collection method: clinical testing. Allele origin: germline.
Comment: This variant was observed in the ICSL laboratory as part of a predisposition screen in an ostensibly healthy population. It had not been previously curated by ICSL or reported in the Human Gene Mutation Database (HGMD: prior to June 1st, 2018), and was therefore a candidate for classification through an automated scoring system. Utilizing variant allele frequency, disease prevalence and penetrance estimates, and inheritance mode, an automated score was calculated to assess if this variant is too frequent to cause the disease. Based on the score and internal cut-off values, a variant classified as benign is not then subjected to further curation. The score for this variant resulted in a classification of benign for this disease.

Breakthrough Genomics
Classification: Benign. Review status: criteria provided, single submitter. Criteria: ACMG Guidelines, 2015. Collection method: not provided. Allele origin: germline. Inheritance: Autosomal recessive inheritance. Affected: yes.